The following is an entry in ClinVar:

ClinVar aggregate classification (germline): Uncertain significance (1 of 4 stars; one submission).

Conditions:
Candidiasis, familial, 9 (CANDF9). Identifiers: Orphanet 1334, MedGen C4225324, MONDO:0014642, OMIM 616445.

Submission:

Labcorp Genetics (formerly Invitae), Labcorp
Classification: Uncertain significance for Candidiasis, familial, 9. Last evaluated: 2023-12-25. Review status: criteria provided, single submitter. Criteria: Invitae Variant Classification Sherloc (09022015). Collection method: clinical testing. Allele origin: germline.
Comment: This sequence change replaces glutamine, which is neutral and polar, with arginine, which is basic and polar, at codon 50 of the IL17RC protein (p.Gln50Arg). This variant is not present in population databases (gnomAD no frequency). This variant has not been reported in the literature in individuals affected with IL17RC-related conditions. ClinVar contains an entry for this variant (Variation ID: 2110749). Algorithms developed to predict the effect of missense changes on protein structure and function output the following: SIFT: "Not Available"; PolyPhen-2: "Benign"; Align-GVGD: "Not Available". The arginine amino acid residue is found in multiple mammalian species, which suggests that this missense change does not adversely affect protein function. In summary, the available evidence is currently insufficient to determine the role of this variant in disease. Therefore, it has been classified as a Variant of Uncertain Significance.

NM_153460.4(IL17RC):c.105+44A>G

Gene: IL17RC (interleukin 17 receptor C; plus strand). Cytogenetic location: 3p25.3.
Variant type: single nucleotide variant.
Coding change: c.105+44A>G on transcript NM_153460.4 (MANE Select); 44 bases into the intron after coding-DNA position 105, A replaced by G.
Molecular consequence: intron variant. On other transcripts: missense variant (1).
Genome position (GRCh38, 1-based): chr3:9,917,464, A>G. VCF-style: chr3-9917464-A-G. GRCh37 (hg19) VCF-style: chr3-9959148-A-G.
Other names: c.149A>G, p.Gln50Arg (NM_153461.4); c.105+44A>G (NM_001203263.2, NM_001203264.2, NM_001367278.1 and 4 more transcripts); short protein forms Q50R.
Identifiers: ClinVar variation 2110749 (VCV002110749.4), dbSNP rs760080059, ClinGen allele CA351753496.